The following is an entry in ClinVar:

ClinVar aggregate classification (germline): Pathogenic (1 of 4 stars; one submission).

Conditions:
Glaucoma 1, open angle, E. Identifiers: MedGen C1842026, MONDO:0007665.
Primary open angle glaucoma (POAG). Also called: OPTN-related open angle glaucoma. Identifiers: MedGen C0339573, MONDO:0100553, OMIM 137760.
Amyotrophic lateral sclerosis type 12 (ALS12). Also called: AMYOTROPHIC LATERAL SCLEROSIS 12 WITH OR WITHOUT FRONTOTEMPORAL DEMENTIA. Identifiers: Orphanet 803, MedGen C3150692, MONDO:0013264, OMIM 613435.

Submission:

Labcorp Genetics (formerly Invitae), Labcorp
Classification: Pathogenic for Primary open angle glaucoma; Glaucoma 1, open angle, e; Amyotrophic lateral sclerosis type 12. Last evaluated: 2018-01-26. Review status: criteria provided, single submitter. Criteria: Invitae Variant Classification Sherloc (09022015). Collection method: clinical testing. Allele origin: germline.
Comment: A gross deletion of the genomic region encompassing the full coding sequence of the OPTN gene has been identified. The boundaries of this event are unknown as the deletion extends beyond the assayed region for this gene and therefore may encompass additional genes. This variant has not been reported in the literature in individuals with OPTN-related disease. Loss-of-function variants in OPTN are known to be pathogenic (PMID: 20428114). For these reasons, this variant has been classified as Pathogenic.

NC_000010.11:g.(?_13109123)_(13183100_?)del

Genes: OPTN (optineurin; plus strand), MCM10 (minichromosome maintenance 10 replication initiation factor; plus strand), LOC108903148 (10p13 OPTN distal Alu-mediated recombination region; plus strand), LOC108903149 (10p13 OPTN proximal Alu-mediated recombination region; plus strand), LOC130003372 (ATAC-STARR-seq lymphoblastoid active region 3050; plus strand) and 2 more. Cytogenetic location: 10p13.
Variant type: Deletion.
Identifiers: ClinVar variation 583651 (VCV000583651.1).